The following is an entry in ClinVar:

NM_014921.5(ADGRL1):c.3616A>G (p.Asn1206Asp)

Genes: ADGRL1-AS1 (ADGRL1 antisense RNA 1; plus strand), ADGRL1 (adhesion G protein-coupled receptor L1; minus strand). Cytogenetic location: 19p13.12.
Variant type: single nucleotide variant.
Coding change: c.3616A>G on transcript NM_014921.5 (MANE Select); coding-DNA position 3616, A replaced by G.
Protein change: p.Asn1206Asp; replaces asparagine 1206 with aspartic acid.
Molecular consequence: missense variant.
Genome position (GRCh38, 1-based): chr19:14,152,342, T>C on the plus strand (A>G on the coding strand, the complement: ADGRL1 is on the minus strand). VCF-style: chr19-14152342-T-C. GRCh37 (hg19) VCF-style: chr19-14263154-T-C.
Other names: c.3631A>G, p.Asn1211Asp (NM_001008701.3); short protein forms N1206D, N1211D.
Identifiers: ClinVar variation 4886102 (VCV004886102.3).

ClinVar aggregate classification (germline): Uncertain significance. Review status: criteria provided, multiple submitters, no conflicts (2 of 4 stars). 2 submissions from 2 submitters: Uncertain significance (2). Last evaluated 2026-08-06.

Conditions:
Developmental delay, behavioral abnormalities, and neuropsychiatric disorders (DEDBANP). Identifiers: MedGen C5774224, MONDO:0859292, OMIM 620065.

gnomAD v4.1: 1 of 1,597,980 alleles (0.000063%); no homozygotes.

Submissions (2):

OLLIN Analises Genomicas, OLLIN
Classification: Uncertain significance for Developmental delay, behavioral abnormalities, and neuropsychiatric disorders. Last evaluated: 2026-08-06. Review status: criteria provided, single submitter. Criteria: ACMG Guidelines 2015 PMID 25741868. Collection method: clinical testing. Allele origin: germline. Inheritance: Autosomal dominant inheritance.
Comment: This missense variant, located in exon 21 (of 23), has been observed in gnomAD with an allele frequency of 0.000063%, but has not been reported in ClinVar or identified in the literature. In silico analysis predicts that this variant has a tolerated effect. According to the currently available evidence, this variant has been classified as uncertain significance (PM2_P, BP4).

Dasa
Classification: Uncertain significance. Last evaluated: 2026-03-28. Review status: criteria provided, single submitter. Criteria: DASA Assertion Criteria. Collection method: clinical testing. Allele origin: germline.
Comment: NM_014921.5(ADGRL1):c.3616A>G (p.Asn1206Asp) is a missense variant that results in the substitution of asparagine with aspartic acid. This variant is rare in population databases. The currently available literature and clinical evidence are not sufficient to establish a definitive association between this variant and the reported condition. Therefore, this variant is classified as a variant of uncertain significance.